The following is an entry in ClinVar:

ClinVar aggregate classification (germline): Conflicting classifications of pathogenicity. Review status: criteria provided, conflicting classifications (1 of 4 stars). 5 submissions from 4 submitters: Uncertain significance (2); Likely benign (3). Last evaluated 2026-01-26.

Conditions:
LTBP2-related disorder. Also called: LTBP2-related disorders; LTBP2-related condition.
Glaucoma 3, primary congenital, D. Identifiers: Orphanet 98976, MedGen C2751316, MONDO:0013122, OMIM 613086.
Weill-Marchesani syndrome. Also called: WM Syndrome; Mesodermal dysmorphodystrophy congenital. Identifiers: Orphanet 3449, MedGen C0265313, MONDO:0018096.

Allele frequency attached by ClinVar (database versions not stated): TOPMed 0.00031; gnomAD 0.00033 and 0.00034; gnomAD exomes 0.00048 and 0.00054; ESP Exome Variant Server 0.00062; ExAC 0.00068.
gnomAD v4.1: 853 of 1,613,978 alleles (0.053%); highest among the groups gnomAD compares: Non-Finnish European, 0.064%; no homozygotes.

Submissions (5):

Labcorp Genetics (formerly Invitae), Labcorp
Classification: Likely benign. Last evaluated: 2026-01-26. Review status: criteria provided, single submitter. Criteria: Invitae Variant Classification Sherloc (09022015). Collection method: clinical testing. Allele origin: germline.

PreventionGenetics, part of Exact Sciences
Classification: Likely benign for LTBP2-related condition. Last evaluated: 2025-08-22. Review status: criteria provided, single submitter. Criteria: ACMG Guidelines, 2015. Collection method: clinical testing. Allele origin: germline.
Comment: This variant is classified as likely benign based on ACMG/AMP sequence variant interpretation guidelines (Richards et al. 2015 PMID: 25741868, with internal and published modifications).

Blueprint Genetics
Classification: Likely benign. Last evaluated: 2024-09-16. Review status: criteria provided, single submitter. Criteria: ACMG Guidelines, 2015. Collection method: clinical testing. Allele origin: germline.

Illumina Laboratory Services, Illumina
Classification: Uncertain significance for Weill-Marchesani syndrome. Last evaluated: 2018-01-13. Review status: criteria provided, single submitter. Criteria: ICSL Variant Classification Criteria 13 December 2019. Collection method: clinical testing. Allele origin: germline.

Illumina Laboratory Services, Illumina
Classification: Uncertain significance for Glaucoma 3, primary congenital, D. Last evaluated: 2018-01-13. Review status: criteria provided, single submitter. Criteria: ICSL Variant Classification Criteria 13 December 2019. Collection method: clinical testing. Allele origin: germline.

NM_000428.3(LTBP2):c.3921C>T (p.Cys1307=)

Gene: LTBP2 (latent transforming growth factor beta binding protein 2; minus strand). Cytogenetic location: 14q24.3.
Variant type: single nucleotide variant.
Coding change: c.3921C>T on transcript NM_000428.3 (MANE Select); coding-DNA position 3921, C replaced by T.
Protein change: p.Cys1307=; no amino-acid change (cysteine 1307 retained).
Molecular consequence: synonymous variant.
Genome position (GRCh38, 1-based): chr14:74,506,810, G>A on the plus strand (C>T on the coding strand, the complement: LTBP2 is on the minus strand). VCF-style: chr14-74506810-G-A. GRCh37 (hg19) VCF-style: chr14-74973513-G-A.
Identifiers: ClinVar variation 886563 (VCV000886563.13), dbSNP rs113219139, ClinGen allele CA7268943.